The following is an entry in ClinVar:

NM_001083116.3(PRF1):c.160C>T (p.Arg54Cys)

Gene: PRF1 (perforin 1; minus strand). Cytogenetic location: 10q22.1.
Variant type: single nucleotide variant.
Coding change: c.160C>T on transcript NM_001083116.3 (MANE Select); coding-DNA position 160, C replaced by T.
Protein change: p.Arg54Cys; replaces arginine 54 with cysteine.
Molecular consequence: missense variant.
Genome position (GRCh38, 1-based): chr10:70,600,743, G>A on the plus strand (C>T on the coding strand, the complement: PRF1 is on the minus strand). VCF-style: chr10-70600743-G-A. GRCh37 (hg19) VCF-style: chr10-72360499-G-A.
Other names: c.160C>T, p.Arg54Cys (NM_005041.6); short protein forms R54C.
Identifiers: ClinVar variation 802583 (VCV000802583.15), dbSNP rs200430442, ClinGen allele CA5539114.

ClinVar aggregate classification (germline): Pathogenic/Likely pathogenic. Review status: criteria provided, multiple submitters, no conflicts (2 of 4 stars). 7 submissions from 7 submitters: Pathogenic (5); Likely pathogenic (2). Last evaluated 2025-11-05.

Conditions:
Aplastic anemia. Identifiers: Orphanet 182040, Orphanet 88, MedGen C0002874, MONDO:0015909, OMIM 609135, HP:0001915.
Familial hemophagocytic lymphohistiocytosis 2 (FHL2). Also called: PRF1-Related Familial Hemophagocytic Lymphohistiocytosis (PRF1-fHLH). Identifiers: Orphanet 540, MedGen C1863727, MONDO:0011337, OMIM 603553.
Lymphoma, non-Hodgkin, familial. Identifiers: MedGen C4721532, MONDO:0011508, OMIM 605027.
Familial hemophagocytic lymphohistiocytosis (FHL). Also called: Familial erythrophagocytic lymphohistiocytosis; Familial histiocytic reticulosis; Hereditary hemophagocytic lymphohistiocytosis. Identifiers: Orphanet 158038, Orphanet 540, MedGen C0272199, MONDO:0015541.

Allele frequency attached by ClinVar (database versions not stated): gnomAD 0.00002 and 0.00005; TOPMed 0.00002; ExAC 0.00003; gnomAD exomes 0.00004; 1000 Genomes Project 0.00040; 1000 Genomes Project 30x 0.00062.

Submissions (7):

Labcorp Genetics (formerly Invitae), Labcorp
Classification: Pathogenic for Familial hemophagocytic lymphohistiocytosis 2. Last evaluated: 2025-11-05. Review status: criteria provided, single submitter. Criteria: Invitae Variant Classification Sherloc (09022015). Collection method: clinical testing. Allele origin: germline.
Comment: This sequence change replaces arginine, which is basic and polar, with cysteine, which is neutral and slightly polar, at codon 54 of the PRF1 protein (p.Arg54Cys). This variant is present in population databases (rs200430442, gnomAD 0.01%). This missense change has been observed in individual(s) with hemophagocytic lymphohistiocytosis (PMID: 14757862, 17266056, 21152410, 22437823). In at least one individual the data is consistent with being in trans (on the opposite chromosome) from a pathogenic variant. ClinVar contains an entry for this variant (Variation ID: 802583). Invitae Evidence Modeling of protein sequence and biophysical properties (such as structural, functional, and spatial information, amino acid conservation, physicochemical variation, residue mobility, and thermodynamic stability) indicates that this missense variant is expected to disrupt PRF1 protein function with a positive predictive value of 95%. For these reasons, this variant has been classified as Pathogenic.

Women's Health and Genetics/Laboratory Corporation of America, LabCorp
Classification: Pathogenic for Familial hemophagocytic lymphohistiocytosis. Last evaluated: 2024-12-03. Review status: criteria provided, single submitter. Criteria: LabCorp Variant Classification Summary - May 2015. Collection method: clinical testing. Allele origin: germline.
Comment: Variant summary: PRF1 c.160C>T (p.Arg54Cys) results in a non-conservative amino acid change located in the Membrane attack complex/perforin (MACPF) domain profile (IPR020864) of the encoded protein sequence. Three of five in-silico tools predict a benign effect of the variant on protein function. The variant allele was found at a frequency of 3.6e-05 in 248802 control chromosomes. c.160C>T has been reported in the literature in multiple homozygous and compound heterozygous individuals affected with Familial Hemophagocytic Lymphohistiocytosis (Kogawa_2002, Sanchez_2012). These data indicate that the variant is very likely to be associated with disease. To our knowledge, no experimental evidence demonstrating an impact on protein function has been reported. The following publications have been ascertained in the context of this evaluation (PMID: 23592409, 11756153, 14757862, 22437823). ClinVar contains an entry for this variant (Variation ID: 802583). Based on the evidence outlined above, the variant was classified as pathogenic.

Fulgent Genetics
Classification: Likely pathogenic for Familial hemophagocytic lymphohistiocytosis 2; Lymphoma, non-Hodgkin, familial; Aplastic anemia. Last evaluated: 2024-05-21. Review status: criteria provided, single submitter. Criteria: ACMG Guidelines, 2015. Collection method: clinical testing. Allele origin: germline.

Baylor Genetics
Classification: Pathogenic for Aplastic anemia. Last evaluated: 2024-03-04. Review status: criteria provided, single submitter. Criteria: ACMG Guidelines, 2015. Collection method: clinical testing. Allele origin: unknown.

Neuberg Centre For Genomic Medicine, NCGM
Classification: Pathogenic for Familial hemophagocytic lymphohistiocytosis 2. Last evaluated: 2023-06-22. Review status: criteria provided, single submitter. Criteria: ACMG Guidelines, 2015. Collection method: clinical testing. Allele origin: germline. Inheritance: Autosomal recessive inheritance. Affected: yes.
Comment: The observed missense c.160C>T(p.Arg54Cys) variant in PRF1 gene has been reported previously in homozygous or compound heterozygous state in individual(s) affected with Hemophagocytic lymphohistiocytosis (HLH) (Park et al., 2022). This variant is reported with the allele frequency of 0.004% in the gnomAD Exomes. This variant has been reported to the ClinVar database as Pathogenic. The amino acid Arg at position 54 is changed to a Cys changing protein sequence and it might alter its composition and physico-chemical properties. The amino acid change p.Arg54Cys in PRF1 is predicted as conserved by GERP++ and PhyloP across 100 vertebrates. Computational evidence (Polyphen - Damaging, SIFT - Damaging , and MutationTaster - Polymorphism) predicts conflicting evidence on protein structure and function for this variant. In at least one individual the data is consistent with being in trans (on the opposite chromosome) from a pathogenic variant. For these reasons, this variant has been classified as Pathogenic. In the absence of another reportable variant, the molecular diagnosis is not confirmed.

Mendelics
Classification: Pathogenic for Familial hemophagocytic lymphohistiocytosis 2. Last evaluated: 2019-05-28. Review status: criteria provided, single submitter. Criteria: Mendelics Assertion Criteria 2017. Collection method: clinical testing. Allele origin: unknown.

Juno Genomics, Hangzhou Juno Genomics, Inc
Classification: Likely pathogenic for Familial hemophagocytic lymphohistiocytosis 2. Review status: criteria provided, single submitter. Criteria: ACMG Guidelines, 2015. Collection method: clinical testing. Allele origin: germline. Affected: yes.
Comment: Absent from controls (or at extremely low frequency if recessive) in Genome Aggregation Database, Exome Sequencing Project, 1000 Genomes Project, or Exome Aggregation Consortium.;For recessive disorders, detected in trans with a pathogenic variant.;Patient's phenotype or family history is highly specific for a disease with a single genetic etiology.

Literature cited by the submitters: PubMed 14757862 (cited by Labcorp Genetics (formerly Invitae), Labcorp and Women's Health and Genetics/Laboratory Corporation of America, LabCorp); PubMed 17266056 (cited by Labcorp Genetics (formerly Invitae), Labcorp); PubMed 21152410 (cited by Labcorp Genetics (formerly Invitae), Labcorp); PubMed 22437823 (cited by Labcorp Genetics (formerly Invitae), Labcorp and Women's Health and Genetics/Laboratory Corporation of America, LabCorp); PubMed 23592409 (cited by Women's Health and Genetics/Laboratory Corporation of America, LabCorp); PubMed 11756153 (cited by Women's Health and Genetics/Laboratory Corporation of America, LabCorp).